The following is an entry in ClinVar:

NM_001458.5(FLNC):c.3629G>A (p.Gly1210Asp)

Gene: FLNC (filamin C; plus strand). Cytogenetic location: 7q32.1.
Variant type: single nucleotide variant.
Coding change: c.3629G>A on transcript NM_001458.5 (MANE Select); coding-DNA position 3629, G replaced by A.
Protein change: p.Gly1210Asp; replaces glycine 1210 with aspartic acid.
Molecular consequence: missense variant.
Genome position (GRCh38, 1-based): chr7:128,845,094, G>A. VCF-style: chr7-128845094-G-A. GRCh37 (hg19) VCF-style: chr7-128485148-G-A.
Other names: c.3629G>A, p.Gly1210Asp (NM_001127487.2); short protein forms G1210D.
Identifiers: ClinVar variation 2428319 (VCV002428319.8), dbSNP rs568110026, ClinGen allele CA4475089.

ClinVar aggregate classification (germline): Uncertain significance. Review status: criteria provided, multiple submitters, no conflicts (2 of 4 stars). 2 submissions from 2 submitters: Uncertain significance (2). Last evaluated 2022-09-09.

Conditions:
Myofibrillar myopathy 5. Also called: Filaminopathy (type); FILAMINOPATHY, AUTOSOMAL DOMINANT. Identifiers: Orphanet 171445, MedGen C1836050, MONDO:0012289, OMIM 609524.
Hypertrophic cardiomyopathy 26. Also called: Cardiomyopathy, familial hypertrophic, 26. Identifiers: Orphanet 75249, MedGen C4310749, MONDO:0014883, OMIM 617047.
Distal myopathy with posterior leg and anterior hand involvement. Also called: WILLIAMS DISTAL MYOPATHY. Identifiers: Orphanet 63273, MedGen C3279722, MONDO:0013550, OMIM 614065.

Allele frequency attached by ClinVar (database versions not stated): ExAC 0.00001; gnomAD 0.00001; gnomAD exomes 0.00001; 1000 Genomes Project 0.00020; 1000 Genomes Project 30x 0.00031.
gnomAD v4.1: 17 of 1,613,948 alleles (0.0011%); highest among the groups gnomAD compares: South Asian, 0.015%; no homozygotes.

Submissions (2):

Labcorp Genetics (formerly Invitae), Labcorp
Classification: Uncertain significance for Distal myopathy with posterior leg and anterior hand involvement; Myofibrillar myopathy 5; Hypertrophic cardiomyopathy 26. Last evaluated: 2022-09-09. Review status: criteria provided, single submitter. Criteria: Invitae Variant Classification Sherloc (09022015). Collection method: clinical testing. Allele origin: germline.
Comment: This variant has not been reported in the literature in individuals affected with FLNC-related conditions. This variant is present in population databases (rs568110026, gnomAD 0.006%). This sequence change replaces glycine, which is neutral and non-polar, with aspartic acid, which is acidic and polar, at codon 1210 of the FLNC protein (p.Gly1210Asp). Advanced modeling of protein sequence and biophysical properties (such as structural, functional, and spatial information, amino acid conservation, physicochemical variation, residue mobility, and thermodynamic stability) has been performed at Invitae for this missense variant, however the output from this modeling did not meet the statistical confidence thresholds required to predict the impact of this variant on FLNC protein function. In summary, the available evidence is currently insufficient to determine the role of this variant in disease. Therefore, it has been classified as a Variant of Uncertain Significance.

Blueprint Genetics
Classification: Uncertain significance. Last evaluated: 2021-11-22. Review status: criteria provided, single submitter. Criteria: ACMG Guidelines, 2015. Collection method: clinical testing. Allele origin: germline.